The following is an entry in ClinVar:

ClinVar aggregate classification (germline): Uncertain significance (1 of 4 stars; one submission).

Conditions:
Arrhythmogenic cardiomyopathy with wooly hair and keratoderma. Also called: PALMOPLANTAR KERATODERMA WITH LEFT VENTRICULAR CARDIOMYOPATHY AND WOOLLY HAIR; Carvajal syndrome; Arrhythmogenic cardiomyopathy with woolly hair and keratoderma; Dilated cardiomyopathy with woolly hair and keratoderma. Identifiers: Orphanet 65282, MedGen C1854063, MONDO:0011581, OMIM 605676.
Arrhythmogenic right ventricular dysplasia 8 (ARVD8). Also called: Arrhythmogenic Right Ventricular Dysplasia/Cardiomyopathy 8; ARRHYTHMOGENIC RIGHT VENTRICULAR DYSPLASIA, FAMILIAL, 8; ARRHYTHMOGENIC RIGHT VENTRICULAR CARDIOMYOPATHY 8. Identifiers: MedGen C1843896, MONDO:0011831, OMIM 607450.

Submission:

Labcorp Genetics (formerly Invitae), Labcorp
Classification: Uncertain significance for Arrhythmogenic cardiomyopathy with wooly hair and keratoderma; Arrhythmogenic right ventricular dysplasia 8. Last evaluated: 2024-04-10. Review status: criteria provided, single submitter. Criteria: Invitae Variant Classification Sherloc (09022015). Collection method: clinical testing. Allele origin: germline.
Comment: This sequence change replaces threonine, which is neutral and polar, with alanine, which is neutral and non-polar, at codon 13 of the DSP protein (p.Thr13Ala). This variant is not present in population databases (gnomAD no frequency). This variant has not been reported in the literature in individuals affected with DSP-related conditions. An algorithm developed to predict the effect of missense changes on protein structure and function (PolyPhen-2) suggests that this variant is likely to be disruptive. In summary, the available evidence is currently insufficient to determine the role of this variant in disease. Therefore, it has been classified as a Variant of Uncertain Significance.

NM_004415.4(DSP):c.37A>G (p.Thr13Ala)

Genes: DSP-AS1 (DSP antisense RNA 1; minus strand), DSP (desmoplakin; plus strand). Cytogenetic location: 6p24.3.
Variant type: single nucleotide variant.
Coding change: c.37A>G on transcript NM_004415.4 (MANE Select); coding-DNA position 37, A replaced by G.
Protein change: p.Thr13Ala; replaces threonine 13 with alanine.
Molecular consequence: missense variant.
Genome position (GRCh38, 1-based): chr6:7,541,952, A>G. VCF-style: chr6-7541952-A-G. GRCh37 (hg19) VCF-style: chr6-7542185-A-G.
Other names: c.37A>G, p.Thr13Ala (NM_001008844.3, NM_001319034.2, NM_001406591.1); short protein forms T13A.
Identifiers: ClinVar variation 2933470 (VCV002933470.3), dbSNP rs2533800505, ClinGen allele CA362675547.
Genomic context (GRCh38, chr6:7,541,952, plus strand): 5'-CCGCTCTCCCGATTGCCCGCCGACATGAGCTGCAACGGAGGCTCCCACCCGCGGATCAAC[A>G]CTCTGGGCCGCATGATCCGCGCCGAGTCTGGCCCGGACCTGCGCTACGAGGTGACCAGCG-3'
Protein context (NP_004406.2, residues 3-23): CNGGSHPRIN[Thr13Ala]LGRMIRAESG